The following is an entry in ClinVar:

ClinVar aggregate classification (germline): Uncertain significance (1 of 4 stars; one submission).

Conditions:
Hereditary cancer-predisposing syndrome. Also called: Neoplastic Syndromes, Hereditary; Tumor predisposition; Hereditary Cancer Syndrome; Hereditary neoplastic syndrome. Identifiers: Orphanet 140162, MedGen C0027672, MeSH D009386, MONDO:0015356.

Submission:

Ambry Genetics
Classification: Uncertain significance for Hereditary cancer-predisposing syndrome. Last evaluated: 2026-03-09. Review status: criteria provided, single submitter. Criteria: Ambry Variant Classification Scheme 2023. Collection method: clinical testing. Allele origin: germline.
Comment: The p.P149T variant (also known as c.445C>A), located in coding exon 3 of the PDGFRA gene, results from a C to A substitution at nucleotide position 445. The proline at codon 149 is replaced by threonine, an amino acid with highly similar properties. This amino acid position is conserved. In addition, the in silico prediction for this alteration is inconclusive. Based on the available evidence, the clinical significance of this variant remains unclear.

NM_006206.6(PDGFRA):c.445C>A (p.Pro149Thr)

Gene: PDGFRA (platelet derived growth factor receptor alpha; plus strand). Cytogenetic location: 4q12.
Variant type: single nucleotide variant.
Coding change: c.445C>A on transcript NM_006206.6 (MANE Select); coding-DNA position 445, C replaced by A.
Protein change: p.Pro149Thr; replaces proline 149 with threonine.
Molecular consequence: missense variant.
Genome position (GRCh38, 1-based): chr4:54,263,744, C>A. VCF-style: chr4-54263744-C-A. GRCh37 (hg19) VCF-style: chr4-55129911-C-A.
Other names: c.445C>A, p.Pro149Thr (NM_001347827.2, NM_001347829.2); c.520C>A, p.Pro174Thr (NM_001347828.2); c.484C>A, p.Pro162Thr (NM_001347830.2); short protein forms P149T, P162T, P174T.
Identifiers: ClinVar variation 4827559 (VCV004827559.1).